The following is an entry in ClinVar:

NM_003384.3(VRK1):c.1180G>A (p.Val394Ile)

Gene: VRK1 (VRK serine/threonine kinase 1; plus strand). Cytogenetic location: 14q32.2.
Variant type: single nucleotide variant.
Coding change: c.1180G>A on transcript NM_003384.3 (MANE Select); coding-DNA position 1180, G replaced by A.
Protein change: p.Val394Ile; replaces valine 394 with isoleucine.
Molecular consequence: missense variant.
Genome position (GRCh38, 1-based): chr14:96,881,197, G>A. VCF-style: chr14-96881197-G-A. GRCh37 (hg19) VCF-style: chr14-97347534-G-A.
Other names: short protein forms V394I.
Identifiers: ClinVar variation 577380 (VCV000577380.6), dbSNP rs1392561922, ClinGen allele CA390932603.

ClinVar aggregate classification (germline): Uncertain significance. Review status: criteria provided, multiple submitters, no conflicts (2 of 4 stars). 3 submissions from 3 submitters: Uncertain significance (2). 1 of the submissions does not count toward it. Last evaluated 2025-08-15.

Conditions:
Congenital pontocerebellar hypoplasia type 1. Also called: Pontocerebellar hypoplasia type 1. Identifiers: Orphanet 2254, MedGen C5442006, MONDO:0016396.
Inborn genetic diseases. Identifiers: MedGen C0950123, MeSH D030342.
Pontocerebellar hypoplasia type 1A (PCH1A). Also called: PONTOCEREBELLAR HYPOPLASIA WITH ANTERIOR HORN CELL DISEASE; PONTOCEREBELLAR HYPOPLASIA WITH INFANTILE SPINAL MUSCULAR ATROPHY. Identifiers: Orphanet 2254, Orphanet 88616, MedGen C1843504, MONDO:0011866, OMIM 607596.

Allele frequency attached by ClinVar (database versions not stated): gnomAD exomes below 0.00001; gnomAD 0.00001; TOPMed 0.00005.
gnomAD v4.1: 5 of 1,605,702 alleles (0.00031%); highest among the groups gnomAD compares: Admixed American, 0.0017%; no homozygotes.

Submissions (3):

Ambry Genetics
Classification: Uncertain significance for Inborn genetic diseases. Last evaluated: 2025-08-15. Review status: criteria provided, single submitter. Criteria: Ambry Variant Classification Scheme 2023. Collection method: clinical testing. Allele origin: germline.

Labcorp Genetics (formerly Invitae), Labcorp
Classification: Uncertain significance for Pontocerebellar hypoplasia type 1A. Last evaluated: 2021-08-24. Review status: criteria provided, single submitter. Criteria: Invitae Variant Classification Sherloc (09022015). Collection method: clinical testing. Allele origin: germline.
Comment: This sequence change replaces valine with isoleucine at codon 394 of the VRK1 protein (p.Val394Ile). The valine residue is weakly conserved and there is a small physicochemical difference between valine and isoleucine. This variant is not present in population databases (ExAC no frequency). This variant has not been reported in the literature in individuals affected with VRK1-related conditions. Algorithms developed to predict the effect of missense changes on protein structure and function output the following: SIFT: "Tolerated"; PolyPhen-2: "Benign"; Align-GVGD: "Class C0". The isoleucine amino acid residue is found in multiple mammalian species, which suggests that this missense change does not adversely affect protein function. In summary, the available evidence is currently insufficient to determine the role of this variant in disease. Therefore, it has been classified as a Variant of Uncertain Significance.

Natera, Inc.
Classification: Uncertain significance for Pontocerebellar hypoplasia type 1. Last evaluated: 2020-09-16. Review status: no assertion criteria provided. Collection method: clinical testing. Allele origin: germline. Not counted in ClinVar's aggregate classification.